The following is an entry in ClinVar:

ClinVar aggregate classification (germline): Pathogenic (1 of 4 stars; one submission).

Conditions:
Hereditary cancer-predisposing syndrome. Also called: Tumor predisposition; Neoplastic Syndromes, Hereditary; Hereditary Cancer Syndrome; Hereditary neoplastic syndrome. Identifiers: Orphanet 140162, MedGen C0027672, MeSH D009386, MONDO:0015356.

Submission:

Ambry Genetics
Classification: Pathogenic for Hereditary cancer-predisposing syndrome. Last evaluated: 2017-07-11. Review status: criteria provided, single submitter. Criteria: Ambry Variant Classification Scheme 2023. Collection method: clinical testing. Allele origin: germline.
Comment: The EX3dup gross duplication spans coding exon 3 in the BRCA2 gene. Additional analysis to determine breakpoints identified that this duplication is in tandem and is predicted to result in a translational frameshift with a predicted alternate stop codon (Ambry internal data). As such, this alteration is interpreted as a disease-causing mutation.

NM_000059.4(BRCA2):c.317-182_632-460dup

Gene: BRCA2 (BRCA2 DNA repair associated; plus strand). Cytogenetic location: 13q13.1.
Variant type: Duplication.
Coding change: c.317-182_632-460dup on transcript NM_000059.4 (MANE Select); 182 bases into the intron before coding-DNA position 317 through 460 bases into the intron before coding-DNA position 632, 4,090 bases duplicated.
Molecular consequence: splice acceptor variant, splice donor variant.
Genome position (GRCh38, 1-based): chr13:32,324,894-32,328,983, 4,090 bases duplicated. GRCh37 (hg19): chr13:32,899,031-32,903,120.
Identifiers: ClinVar variation 1728430 (VCV001728430.2), ClinGen allele CA2580086925.